The following is an entry in ClinVar:

ClinVar aggregate classification (germline): Conflicting classifications of pathogenicity. Review status: criteria provided, conflicting classifications (1 of 4 stars). 4 submissions from 4 submitters: Uncertain significance (1); Likely benign (2). 1 of the submissions does not count toward it. Last evaluated 2026-01-26.

Conditions:
GUCY2D-related disorder. Also called: GUCY2D-related condition.
Cone-rod dystrophy 6 (CORD6). Also called: Cone dystrophy progressive; RETINAL CONE DYSTROPHY 2. Identifiers: Orphanet 1872, MedGen C1866293, MONDO:0011143, OMIM 601777.
Leber congenital amaurosis 1 (LCA1). Also called: Congenital absence of the rods and cones; Leber's congenital tapetoretinal degeneration; Leber's congenital tapetoretinal dysplasia; AMAUROSIS CONGENITA OF LEBER I; RETINAL BLINDNESS, CONGENITAL. Identifiers: Orphanet 65, MedGen C2931258, MONDO:0008764, OMIM 204000.

Allele frequency attached by ClinVar (database versions not stated): gnomAD 0.00009; gnomAD exomes 0.00010 and 0.00045; TOPMed 0.00023; ExAC 0.00040.
gnomAD v4.1: 152 of 1,606,600 alleles (0.0095%); highest among the groups gnomAD compares: Admixed American, 0.22%; 1 homozygote.

Submissions (4):

Labcorp Genetics (formerly Invitae), Labcorp
Classification: Likely benign for Leber congenital amaurosis 1; Cone-rod dystrophy 6. Last evaluated: 2026-01-26. Review status: criteria provided, single submitter. Criteria: Invitae Variant Classification Sherloc (09022015). Collection method: clinical testing. Allele origin: germline.

Blueprint Genetics
Classification: Likely benign. Last evaluated: 2022-10-31. Review status: criteria provided, single submitter. Criteria: ACMG Guidelines, 2015. Collection method: clinical testing. Allele origin: germline.

ARUP Laboratories, Molecular Genetics and Genomics, ARUP Laboratories
Classification: Uncertain significance. Last evaluated: 2017-06-02. Review status: criteria provided, single submitter. Criteria: ARUP Molecular Germline Variant Investigation Process. Collection method: clinical testing. Allele origin: germline.
Comment: The GUCY2D c.1138C>T;p.Arg380Cys variant has been published in an individual with retinitis pigmentosa (Jinda 2014). The variant is not listed in the ClinVar database, but is listed in the dbSNP variant database (rs775105018) with an allele frequency of up to 0.2881 percent (99/34360 alleles) in the Latino population in the Genome Aggregation Database. The amino acid at this position is moderately conserved across species and computational algorithms (PolyPhen2, SIFT) predict this variant is deleterious. Taken together, the clinical significance of this variant cannot be determined at this time. If this variant is later determined to be pathogenic, this variant may be causative for autosomal dominant cone rod dystrophy or autosomal recessive Leber congenital amaurosis (OMIM#600179). References: Jinda W et al. Whole exome sequencing in Thai patients with retinitis pigmentosa reveals novel mutations in six genes. Invest Ophthalmol Vis Sci. 2014 Apr 7;55(4):2259-68.

PreventionGenetics, part of Exact Sciences
Classification: Likely benign for GUCY2D-related condition. Last evaluated: 2024-08-13. Review status: no assertion criteria provided. Collection method: clinical testing. Allele origin: germline. Not counted in ClinVar's aggregate classification.
Comment: This variant is classified as likely benign based on ACMG/AMP sequence variant interpretation guidelines (Richards et al. 2015 PMID: 25741868, with internal and published modifications).

NM_000180.4(GUCY2D):c.1138C>T (p.Arg380Cys)

Gene: GUCY2D (guanylate cyclase 2D, retinal; plus strand). Cytogenetic location: 17p13.1.
Variant type: single nucleotide variant.
Coding change: c.1138C>T on transcript NM_000180.4 (MANE Select); coding-DNA position 1138, C replaced by T.
Protein change: p.Arg380Cys; replaces arginine 380 with cysteine.
Molecular consequence: missense variant.
Genome position (GRCh38, 1-based): chr17:8,006,474, C>T. VCF-style: chr17-8006474-C-T. GRCh37 (hg19) VCF-style: chr17-7909792-C-T.
Other names: short protein forms R380C.
Identifiers: ClinVar variation 618152 (VCV000618152.21), dbSNP rs775105018, ClinGen allele CA8365663.